The following is an entry in ClinVar:

ClinVar aggregate classification (germline): Uncertain significance (1 of 4 stars; one submission).

Submission:

Labcorp Genetics (formerly Invitae), Labcorp
Classification: Uncertain significance. Last evaluated: 2024-11-07. Review status: criteria provided, single submitter. Criteria: Invitae Variant Classification Sherloc (09022015). Collection method: clinical testing. Allele origin: germline.
Comment: This sequence change replaces glycine, which is neutral and non-polar, with alanine, which is neutral and non-polar, at codon 425 of the PPP3CA protein (p.Gly425Ala). This variant is not present in population databases (gnomAD no frequency). This variant has not been reported in the literature in individuals affected with PPP3CA-related conditions. Invitae Evidence Modeling of protein sequence and biophysical properties (such as structural, functional, and spatial information, amino acid conservation, physicochemical variation, residue mobility, and thermodynamic stability) indicates that this missense variant is not expected to disrupt PPP3CA protein function with a negative predictive value of 80%. In summary, the available evidence is currently insufficient to determine the role of this variant in disease. Therefore, it has been classified as a Variant of Uncertain Significance.

NM_000944.5(PPP3CA):c.1274G>C (p.Gly425Ala)

Gene: PPP3CA (protein phosphatase 3 catalytic subunit alpha; minus strand). Cytogenetic location: 4q24.
Variant type: single nucleotide variant.
Coding change: c.1274G>C on transcript NM_000944.5 (MANE Select); coding-DNA position 1274, G replaced by C.
Protein change: p.Gly425Ala; replaces glycine 425 with alanine.
Molecular consequence: missense variant.
Genome position (GRCh38, 1-based): chr4:101,032,332, C>G on the plus strand (G>C on the coding strand, the complement: PPP3CA is on the minus strand). VCF-style: chr4-101032332-C-G. GRCh37 (hg19) VCF-style: chr4-101953489-C-G.
Other names: c.1274G>C, p.Gly425Ala (NM_001130691.2); c.1148G>C, p.Gly383Ala (NM_001130692.2); short protein forms G383A, G425A.
Identifiers: ClinVar variation 3730252 (VCV003730252.2).